The following is an entry in ClinVar:

ClinVar aggregate classification (germline): Uncertain significance (1 of 4 stars; one submission).

Conditions:
Hereditary cancer-predisposing syndrome. Also called: Hereditary Cancer Syndrome; Hereditary neoplastic syndrome; Neoplastic Syndromes, Hereditary; Tumor predisposition. Identifiers: Orphanet 140162, MedGen C0027672, MeSH D009386, MONDO:0015356.

Allele frequency attached by ClinVar (database versions not stated): gnomAD 0.00001; TOPMed 0.00001.
gnomAD v4.1: 20 of 1,532,608 alleles (0.0013%); highest among the groups gnomAD compares: East Asian, 0.0075%; no homozygotes.

Submission:

Ambry Genetics
Classification: Uncertain significance for Hereditary cancer-predisposing syndrome. Last evaluated: 2020-06-11. Review status: criteria provided, single submitter. Criteria: Ambry Variant Classification Scheme 2023. Collection method: clinical testing. Allele origin: germline.
Comment: The c.-5G>A variant is located in the 5' untranslated region (5&rsquo; UTR) of the FH gene. This variant results from a G to A substitution 5 bases upstream from the first translated codon. This nucleotide position is well conserved in available vertebrate species. Since supporting evidence is limited at this time, the clinical significance of this alteration remains unclear.

NM_000143.4(FH):c.-5G>A

Gene: FH (fumarate hydratase; minus strand). Cytogenetic location: 1q43.
Variant type: single nucleotide variant.
Coding change: c.-5G>A on transcript NM_000143.4 (MANE Select); 5 bases upstream of the start codon, G replaced by A.
Molecular consequence: 5 prime UTR variant.
Genome position (GRCh38, 1-based): chr1:241,519,727, C>T on the plus strand (G>A on the coding strand, the complement: FH is on the minus strand). VCF-style: chr1-241519727-C-T. GRCh37 (hg19) VCF-style: chr1-241683027-C-T.
Identifiers: ClinVar variation 1751007 (VCV001751007.2), dbSNP rs1398827199, ClinGen allele CA529933276.